The following is an entry in ClinVar:

ClinVar aggregate classification (germline): Benign/Likely benign. Review status: criteria provided, multiple submitters, no conflicts (2 of 4 stars). 3 submissions from 3 submitters: Benign (1); Likely benign (2). Last evaluated 2023-03-01.

Allele frequency attached by ClinVar (database versions not stated): TOPMed 0.00747; gnomAD 0.00768 and 0.00798; 1000 Genomes Project 0.00200; 1000 Genomes Project 30x 0.00250.

Submissions (3):

CeGaT Center for Human Genetics Tuebingen
Classification: Benign. Last evaluated: 2023-03-01. Review status: criteria provided, single submitter. Criteria: CeGaT Center For Human Genetics Tuebingen Variant Classification Criteria Version 2. Collection method: clinical testing. Allele origin: germline. Affected: yes. Observed: 2 variant alleles.
Comment: GBE1: BS1, BS2

GeneDx
Classification: Likely benign. Last evaluated: 2018-07-06. Review status: criteria provided, single submitter. Criteria: GeneDx Variant Classification Process June 2021. Collection method: clinical testing. Allele origin: germline. Affected: yes.

Breakthrough Genomics
Classification: Likely benign. Review status: criteria provided, single submitter. Criteria: ACMG Guidelines, 2015. Collection method: not provided. Allele origin: germline. Inheritance: Autosomal recessive inheritance. Affected: yes.

NC_000003.12:g.81761728C>T

Gene: GBE1 (1,4-alpha-glucan branching enzyme 1; minus strand). Cytogenetic location: 3p12.2.
Variant type: single nucleotide variant.
Genome position: GRCh38 VCF-style: chr3-81761728-C-T. GRCh37 (hg19) VCF-style: chr3-81810879-C-T.
Identifiers: ClinVar variation 1186545 (VCV001186545.34), dbSNP rs13072461, ClinGen allele CA15247557.
Genomic context (GRCh38, chr3:81,761,728, plus strand): 5'-GCCCTTTATAGCCGGGACGGAAGGCCTCCTGCCCTTTCTCCCCCCGCCAGCGGGGAGGAG[C>T]GGATCCCGGGGTGATGCCGGGACGCACGTCCGGAGCGGGTAGGAGGCACCGAGGCCTCTC-3'